The following is an entry in ClinVar:

NM_007055.4(POLR3A):c.3583del (p.Asp1195fs)

Gene: POLR3A (RNA polymerase III subunit A; minus strand). Cytogenetic location: 10q22.3.
Variant type: Deletion.
Coding change: c.3583del on transcript NM_007055.4 (MANE Select); coding-DNA position 3583, one base deleted (G; older notation c.3583delG).
Protein change: p.Asp1195fs; shifts the reading frame from aspartic acid 1195.
Molecular consequence: frameshift variant.
Genome position (GRCh38, 1-based): chr10:77,982,664, C deleted on the plus strand (G on the coding strand, the reverse complement: POLR3A is on the minus strand); the first of 2 consecutive C bases (chr10:77,982,664-77,982,665); deleting either gives the same sequence. VCF-style (leftmost placement, unchanged base first): chr10-77982663-TC-T. GRCh37 (hg19) VCF-style: chr10-79742421-TC-T.
Other names: NM_007055.4(POLR3A):c.3583del; p.Asp1195fs; short protein forms D1195fs.
Identifiers: ClinVar variation 684775 (VCV000684775.9), dbSNP rs747683665, ClinGen allele CA5570794.
Genomic context (GRCh38, chr10:77,982,663, plus strand): 5'-CACACCACAGGGAGATGCTGGGTCTCCATGAGAAGCGACTTCTGTTTCACCTTGGGGAGA[TC>T]CTCTTTCAGGAACTGCAGCACGTAGTACATGGAGCTCTTGCTGTTCTCTCTGGGGGTGAC-3'

ClinVar aggregate classification (germline): Pathogenic/Likely pathogenic. Review status: criteria provided, multiple submitters, no conflicts (2 of 4 stars). 5 submissions from 4 submitters: Pathogenic (4); Likely pathogenic (1). Last evaluated 2025-07-16.

Conditions:
Leukodystrophy, hypomyelinating, 7, with or without oligodontia and/or hypogonadotropic hypogonadism (HLD7). Also called: Ataxia, Delayed Dentition and Hypomyelination (ADDH); LEUKOENCEPHALOPATHY, HYPOMYELINATING, WITH ATAXIA AND DELAYED DENTITION; ATAXIA, DELAYED DENTITION, AND HYPOMYELINATION; LEUKODYSTROPHY, HYPOMYELINATING, 7, WITH OLIGODONTIA; LEUKODYSTROPHY, HYPOMYELINATING, 7, WITH OLIGODONTIA AND HYPOGONADOTROPIC HYPOGONADISM; LEUKODYSTROPHY, HYPOMYELINATING, 7, WITHOUT OLIGODONTIA OR HYPOGONADOTROPIC HYPOGONADISM. Identifiers: Orphanet 137639, Orphanet 447893, Orphanet 447896, Orphanet 77295, Orphanet 88637, MedGen CN034185, MONDO:0011897, OMIM 607694.
Autosomal recessive POLR3A-related disorders.
POLR3A-related disorder. Also called: POLR3A-related condition; POLR3A-related disorders. Identifiers: MedGen CN378587, MONDO:0700276.

Submissions (5):

Variantyx, Inc.
Classification: Pathogenic for Autosomal recessive POLR3A-related disorders. Last evaluated: 2025-07-16. Review status: criteria provided, single submitter. Criteria: Variantyx Assertion Criteria 2022. Collection method: clinical testing. Allele origin: germline. Inheritance: Autosomal recessive inheritance. Affected: yes.
Comment: This is a frameshift variant in the POLR3A gene (OMIM: 614258). Pathogenic variants in this gene have been associated with autosomal recessive POLR3A-related disorders. This variant introduces a premature termination codon in exon 27 out of 31 and is expected to result in loss of function, which is a known disease mechanism for POLR3A in this disorder (PMID: 28459997, 30323018) (PVS1). This variant has been identified in the homozygous or compound heterozygous state in at least one affected individual reported in the published literature (PMID: 32582862) (PM3). It has a 0.0021% maximum allele frequency in non-founder control populations (PM2). Based on the current evidence, this variant is classified as pathogenic for autosomal recessive POLR3A-related disorders.

Broad Center for Mendelian Genomics, Broad Institute of MIT and Harvard
Classification: Likely pathogenic for Leukodystrophy, hypomyelinating, 7, with or without oligodontia and/or hypogonadotropic hypogonadism. Last evaluated: 2023-01-24. Review status: criteria provided, single submitter. Criteria: ACMG Guidelines, 2015. Collection method: curation. Allele origin: germline. Inheritance: Autosomal recessive inheritance.
Comment: The p.Asp1195fs variant in POLR3A has been reported in 2 individuals with POLR3A-related disorders (PMID: 32582862, 33879512) and has been identified in 0.01% (2/16252) of African/African American chromosomes by the Genome Aggregation Database (gnomAD; dbSNP ID: rs747683665). Although this variant has been seen in the general population in a heterozygous state, its frequency is not high enough to rule out a pathogenic role. This variant has also been reported in ClinVar (Variation ID#: 684775) and has been interpreted as pathogenic by MyeliNeuroGene Lab (McGill University Health Center Research Institute) and Invitae. Of the 2 affected individuals, 1 was a compound heterozygote that carried a reported pathogenic variant in trans, which increases the likelihood that the p.Asp1195fs variant is pathogenic (VariationID: 449556; PMID: 32582862). This variant is predicted to cause a frameshift, which alters the protein‚Äôs amino acid sequence beginning at position 1195 and leads to a premature termination codon 47 amino acids downstream. This alteration is then predicted to lead to a truncated or absent protein. Loss of function of the POLR3A gene is an established disease mechanism in autosomal recessive POLR3A-related disorders. In summary, although additional studies are required to fully establish its clinical significance, this variant is likely pathogenic for autosomal recessive POLR3A-related disorders. ACMG/AMP Criteria applied: PVS1, PM3 (Richards 2015).

Variantyx, Inc.
Classification: Pathogenic for POLR3A-related disorders. Last evaluated: 2022-11-07. Review status: criteria provided, single submitter. Criteria: Variantyx Assertion Criteria 2022. Collection method: clinical testing. Allele origin: maternal. Inheritance: Autosomal recessive inheritance. Affected: yes.
Comment: This is a frameshift variant in the POLR3A gene (OMIM 614258). Biallelic pathogenic variants in this gene have been associated with autosomal recessive POLR3A-related disorders. This variant introduces a premature termination codon in exon 27 out of 31. It is expected to result in loss of function, which is a known disease mechanism for POLR3A (PMID: 22855961) (PVS1). This variant has been reported in the homozygous or compound heterozygous state in at least one affected individual (PMID: 32582862) (PM3_Supporting). This variant has a 0.01231% maximum allele frequency in non-founder control populations, which is lower than expected for the prevalence of POLR3A-related disorders (PM2_Supporting). Based on the current evidence, this variant is classified as pathogenic for autosomal recessive POLR3A-related disorders.

Labcorp Genetics (formerly Invitae), Labcorp
Classification: Pathogenic. Last evaluated: 2022-03-28. Review status: criteria provided, single submitter. Criteria: Invitae Variant Classification Sherloc (09022015). Collection method: clinical testing. Allele origin: germline.
Comment: This sequence change creates a premature translational stop signal (p.Asp1195Ilefs*47) in the POLR3A gene. It is expected to result in an absent or disrupted protein product. Loss-of-function variants in POLR3A are known to be pathogenic (PMID: 21855841, 25339210, 27612211, 30414627, 30450527). For these reasons, this variant has been classified as Pathogenic. ClinVar contains an entry for this variant (Variation ID: 684775). This premature translational stop signal has been observed in individual(s) with leukodystrophy (PMID: 32582862). This variant is present in population databases (rs747683665, gnomAD 0.01%).

MyeliNeuroGene Lab, McGill University Health Center Research Institute
Classification: Pathogenic for LEUKODYSTROPHY, HYPOMYELINATING, 7, WITH OR WITHOUT OLIGODONTIA AND/OR HYPOGONADOTROPIC HYPOGONADISM; HLD7. Review status: criteria provided, single submitter. Criteria: ACMG Guidelines, 2015. Collection method: research. Allele origin: inherited. Inheritance: Autosomal recessive inheritance. Affected: no. Observed: 1 variant allele, 1 compound heterozygote.

Literature cited by the submitters: PubMed 32582862 (cited by Variantyx, Inc. and Labcorp Genetics (formerly Invitae), Labcorp); PubMed 28459997 (cited by Variantyx, Inc.); PubMed 30323018 (cited by Variantyx, Inc.); PubMed 22855961 (cited by Variantyx, Inc.); PubMed 21855841 (cited by Labcorp Genetics (formerly Invitae), Labcorp); PubMed 25339210 (cited by Labcorp Genetics (formerly Invitae), Labcorp); PubMed 27612211 (cited by Labcorp Genetics (formerly Invitae), Labcorp); PubMed 30414627 (cited by Labcorp Genetics (formerly Invitae), Labcorp); PubMed 30450527 (cited by Labcorp Genetics (formerly Invitae), Labcorp); PubMed 614258 (cited by MyeliNeuroGene Lab, McGill University Health Center Research Institute).